The following is an entry in ClinVar:

NM_021939.4(FKBP10):c.289C>T (p.Arg97Cys)

Gene: FKBP10 (FKBP prolyl isomerase 10; plus strand). Cytogenetic location: 17q21.2.
Variant type: single nucleotide variant.
Coding change: c.289C>T on transcript NM_021939.4 (MANE Select); coding-DNA position 289, C replaced by T.
Protein change: p.Arg97Cys; replaces arginine 97 with cysteine.
Molecular consequence: missense variant.
Genome position (GRCh38, 1-based): chr17:41,817,101, C>T. VCF-style: chr17-41817101-C-T. GRCh37 (hg19) VCF-style: chr17-39973353-C-T.
Other names: short protein forms R97C.
Identifiers: ClinVar variation 1392204 (VCV001392204.3), dbSNP rs993652435, ClinGen allele CA290696479.

ClinVar aggregate classification (germline): Uncertain significance (1 of 4 stars; one submission).

Allele frequency attached by ClinVar (database versions not stated): gnomAD exomes below 0.00001; gnomAD 0.00001; TOPMed 0.00002.
gnomAD v4.1: 9 of 1,613,948 alleles (0.00056%); highest among the groups gnomAD compares: Admixed American, 0.0017%; no homozygotes.

Submission:

Labcorp Genetics (formerly Invitae), Labcorp
Classification: Uncertain significance. Last evaluated: 2022-02-05. Review status: criteria provided, single submitter. Criteria: Invitae Variant Classification Sherloc (09022015). Collection method: clinical testing. Allele origin: germline.
Comment: This sequence change replaces arginine, which is basic and polar, with cysteine, which is neutral and slightly polar, at codon 97 of the FKBP10 protein (p.Arg97Cys). This variant is not present in population databases (gnomAD no frequency). This variant has not been reported in the literature in individuals affected with FKBP10-related conditions. Algorithms developed to predict the effect of missense changes on protein structure and function are either unavailable or do not agree on the potential impact of this missense change (SIFT: "Deleterious"; PolyPhen-2: "Probably Damaging"; Align-GVGD: "Class C0"). In summary, the available evidence is currently insufficient to determine the role of this variant in disease. Therefore, it has been classified as a Variant of Uncertain Significance.